The following is an entry in ClinVar:

ClinVar aggregate classification (germline): Uncertain significance. Review status: criteria provided, single submitter (1 of 4 stars). 2 submissions from 2 submitters: Uncertain significance (1). 1 of the submissions does not count toward it. Last evaluated 2025-06-07.

Conditions:
Prostate cancer. Also called: Malignant tumor of prostate. Identifiers: Orphanet 1331, MedGen C0376358, MONDO:0008315, HP:0012125.

Allele frequency attached by ClinVar (database versions not stated): gnomAD exomes 0.00003; TOPMed 0.00002; ExAC 0.00003.
gnomAD v4.1: 40 of 1,613,908 alleles (0.0025%); highest among the groups gnomAD compares: South Asian, 0.021%; no homozygotes.

Submissions (2):

Ambry Genetics
Classification: Uncertain significance. Last evaluated: 2025-06-07. Review status: criteria provided, single submitter. Criteria: Ambry Variant Classification Scheme 2023. Collection method: clinical testing. Allele origin: germline.

Science for Life laboratory,  Karolinska Institutet
Classification: Uncertain significance for Malignant tumor of prostate. Review status: no assertion criteria provided. Collection method: not provided. Allele origin: somatic. Not counted in ClinVar's aggregate classification.
Comment: TumorID:SWE-16
ClinVar note: Converted during submission from Unknown to Uncertain significance.

NM_021186.5(ZP4):c.214G>A (p.Asp72Asn)

Gene: ZP4 (zona pellucida glycoprotein 4; minus strand). Cytogenetic location: 1q43.
Variant type: single nucleotide variant.
Coding change: c.214G>A on transcript NM_021186.5 (MANE Select); coding-DNA position 214, G replaced by A.
Protein change: p.Asp72Asn; replaces aspartic acid 72 with asparagine.
Molecular consequence: missense variant.
Genome position (GRCh38, 1-based): chr1:237,890,138, C>T on the plus strand (G>A on the coding strand, the complement: ZP4 is on the minus strand). VCF-style: chr1-237890138-C-T. GRCh37 (hg19) VCF-style: chr1-238053438-C-T.
Other names: short protein forms D72N.
Identifiers: ClinVar variation 161747 (VCV000161747.3), dbSNP rs193920872, ClinGen allele CA174711.